The following is an entry in ClinVar:

ClinVar aggregate classification (germline): Uncertain significance (1 of 4 stars; one submission).

Conditions:
Combined oxidative phosphorylation defect type 27. Also called: Combined oxidative phosphorylation deficiency 27. Identifiers: Orphanet 477774, MedGen C5567608, MONDO:0014728, OMIM 616672.

Allele frequency attached by ClinVar (database versions not stated): TOPMed 0.00001.
gnomAD v4.1: 8 of 1,611,884 alleles (0.0005%); highest among the groups gnomAD compares: Admixed American, 0.0017%; no homozygotes.

Submission:

Labcorp Genetics (formerly Invitae), Labcorp
Classification: Uncertain significance for Combined oxidative phosphorylation defect type 27. Last evaluated: 2022-08-09. Review status: criteria provided, single submitter. Criteria: Invitae Variant Classification Sherloc (09022015). Collection method: clinical testing. Allele origin: germline.
Comment: This sequence change falls in intron 9 of the CARS2 gene. It does not directly change the encoded amino acid sequence of the CARS2 protein. It affects a nucleotide within the consensus splice site. This variant is present in population databases (no rsID available, gnomAD 0.003%). This variant has not been reported in the literature in individuals affected with CARS2-related conditions. ClinVar contains an entry for this variant (Variation ID: 944140). Variants that disrupt the consensus splice site are a relatively common cause of aberrant splicing (PMID: 17576681, 9536098). Algorithms developed to predict the effect of sequence changes on RNA splicing suggest that this variant is not likely to affect RNA splicing. In summary, the available evidence is currently insufficient to determine the role of this variant in disease. Therefore, it has been classified as a Variant of Uncertain Significance.

Literature cited by the submitters: PubMed 17576681; PubMed 9536098.

NM_024537.4(CARS2):c.987+6G>A

Gene: CARS2 (cysteinyl-tRNA synthetase 2, mitochondrial; minus strand). Cytogenetic location: 13q34.
Variant type: single nucleotide variant.
Coding change: c.987+6G>A on transcript NM_024537.4 (MANE Select); 6 bases into the intron after coding-DNA position 987, G replaced by A.
Molecular consequence: intron variant.
Genome position (GRCh38, 1-based): chr13:110,663,445, C>T on the plus strand (G>A on the coding strand, the complement: CARS2 is on the minus strand). VCF-style: chr13-110663445-C-T. GRCh37 (hg19) VCF-style: chr13-111315792-C-T.
Other names: c.201+6G>A (NM_001352252.2).
Identifiers: ClinVar variation 944140 (VCV000944140.7), dbSNP rs1479157443, ClinGen allele CA612643686.